The following is an entry in ClinVar:

ClinVar aggregate classification (germline): Likely benign (0 of 4 stars; one submission).

Conditions:
APC2-related disorder. Also called: APC2-related condition; APC2-Related Disorders.

gnomAD v4.1: 8 of 1,576,326 alleles (0.00051%); highest among the groups gnomAD compares: East Asian, 0.018%; no homozygotes.

Submission:

PreventionGenetics, part of Exact Sciences
Classification: Likely benign for APC2-related condition. Last evaluated: 2023-02-04. Review status: no assertion criteria provided. Collection method: clinical testing. Allele origin: germline.
Comment: This variant is classified as likely benign based on ACMG/AMP sequence variant interpretation guidelines (Richards et al. 2015 PMID: 25741868, with internal and published modifications).

NM_005883.3(APC2):c.3840G>C (p.Ala1280=)

Gene: APC2 (APC regulator of Wnt signaling pathway 2; plus strand). Cytogenetic location: 19p13.3.
Variant type: single nucleotide variant.
Coding change: c.3840G>C on transcript NM_005883.3 (MANE Select); coding-DNA position 3840, G replaced by C.
Protein change: p.Ala1280=; no amino-acid change (alanine 1280 retained).
Molecular consequence: synonymous variant.
Genome position (GRCh38, 1-based): chr19:1,467,141, G>C. VCF-style: chr19-1467141-G-C. GRCh37 (hg19) VCF-style: chr19-1467140-G-C.
Other names: c.3837G>C, p.Ala1279= (NM_001351273.1).
Identifiers: ClinVar variation 3054803 (VCV003054803.2), dbSNP rs759351445, ClinGen allele CA9045751.